The following is an entry in ClinVar:

ClinVar aggregate classification (germline): Likely benign. Review status: criteria provided, multiple submitters, no conflicts (2 of 4 stars). 3 submissions from 3 submitters: Likely benign (3). Last evaluated 2025-01-01.

Allele frequency attached by ClinVar (database versions not stated): gnomAD exomes below 0.00001 and 0.00009; TOPMed 0.00001.
gnomAD v4.1: 120 of 1,614,166 alleles (0.0074%); highest among the groups gnomAD compares: Non-Finnish European, 0.01%; no homozygotes.

Submissions (3):

CeGaT Center for Human Genetics Tuebingen
Classification: Likely benign. Last evaluated: 2025-01-01. Review status: criteria provided, single submitter. Criteria: CeGaT Center For Human Genetics Tuebingen Variant Classification Criteria Version 2. Collection method: clinical testing. Allele origin: germline. Affected: yes. Observed: 1 variant allele.
Comment: TTLL5: BP4, BP7

Labcorp Genetics (formerly Invitae), Labcorp
Classification: Likely benign. Last evaluated: 2022-11-01. Review status: criteria provided, single submitter. Criteria: Invitae Variant Classification Sherloc (09022015). Collection method: clinical testing. Allele origin: germline.

Blueprint Genetics
Classification: Likely benign. Last evaluated: 2019-09-06. Review status: criteria provided, single submitter. Criteria: ACMG Guidelines, 2015. Collection method: clinical testing. Allele origin: germline.

NM_015072.5(TTLL5):c.3720A>G (p.Ala1240=)

Gene: TTLL5 (tubulin tyrosine ligase like 5; plus strand). Cytogenetic location: 14q24.3.
Variant type: single nucleotide variant.
Coding change: c.3720A>G on transcript NM_015072.5 (MANE Select); coding-DNA position 3720, A replaced by G.
Protein change: p.Ala1240=; no amino-acid change (alanine 1240 retained).
Molecular consequence: synonymous variant.
Genome position (GRCh38, 1-based): chr14:75,882,882, A>G. VCF-style: chr14-75882882-A-G. GRCh37 (hg19) VCF-style: chr14-76349225-A-G.
Identifiers: ClinVar variation 1634632 (VCV001634632.22), dbSNP rs1245336874, ClinGen allele CA487233930.